The following is an entry in ClinVar:

NM_001368882.1(COL13A1):c.513+3A>C

Gene: COL13A1 (collagen type XIII alpha 1 chain; plus strand). Cytogenetic location: 10q22.1.
Variant type: single nucleotide variant.
Coding change: c.513+3A>C on transcript NM_001368882.1 (MANE Select); 3 bases into the intron after coding-DNA position 513, A replaced by C.
Molecular consequence: intron variant.
Genome position (GRCh38, 1-based): chr10:69,880,556, A>C. VCF-style: chr10-69880556-A-C. GRCh37 (hg19) VCF-style: chr10-71640312-A-C.
Other names: c.513+3A>C (NM_001320951.2, NM_001368884.1); c.486+3A>C (NM_001130103.2, NM_080801.4, NM_080802.4 and 1 more transcripts); c.-88+3A>C (NM_001368886.1); c.477+3A>C (NM_001368883.1, NM_001368885.1); c.400-6900A>C (NM_080805.4, NM_001368897.1); c.423+3A>C (NM_001368895.1); c.373-6900A>C (NM_001368898.1, NM_080798.4, NM_001368896.1).
Identifiers: ClinVar variation 1978665 (VCV001978665.4), dbSNP rs765112949, ClinGen allele CA5534193.

ClinVar aggregate classification (germline): Uncertain significance (1 of 4 stars; one submission).

Allele frequency attached by ClinVar (database versions not stated): ExAC 0.00002; TOPMed below 0.00001.

Submission:

Labcorp Genetics (formerly Invitae), Labcorp
Classification: Uncertain significance. Last evaluated: 2022-08-13. Review status: criteria provided, single submitter. Criteria: Invitae Variant Classification Sherloc (09022015). Collection method: clinical testing. Allele origin: germline.
Comment: In summary, the available evidence is currently insufficient to determine the role of this variant in disease. Therefore, it has been classified as a Variant of Uncertain Significance. Variants that disrupt the consensus splice site are a relatively common cause of aberrant splicing (PMID: 17576681, 9536098). Algorithms developed to predict the effect of sequence changes on RNA splicing suggest that this variant may disrupt the consensus splice site. This variant has not been reported in the literature in individuals affected with COL13A1-related conditions. This variant is present in population databases (rs765112949, gnomAD 0.0009%). This sequence change falls in intron 6 of the COL13A1 gene. It does not directly change the encoded amino acid sequence of the COL13A1 protein. It affects a nucleotide within the consensus splice site.

Literature cited by the submitters: PubMed 17576681; PubMed 9536098.